The following is an entry in ClinVar:

ClinVar aggregate classification (germline): Uncertain significance (1 of 4 stars; one submission).

Conditions:
Supravalvar aortic stenosis (SVAS). Also called: Supravalvar aortic stenosis, Eisenberg type. Identifiers: Orphanet 3193, MedGen C0003499, MONDO:0008504, OMIM 185500, HP:0004381.

gnomAD v4.1: 1 of 1,613,588 alleles (0.000062%); highest among the groups gnomAD compares: Non-Finnish European, 0.000085%; no homozygotes.

Submission:

Labcorp Genetics (formerly Invitae), Labcorp
Classification: Uncertain significance for Supravalvar aortic stenosis. Last evaluated: 2024-12-12. Review status: criteria provided, single submitter. Criteria: Invitae Variant Classification Sherloc (09022015). Collection method: clinical testing. Allele origin: germline.
Comment: This sequence change replaces glycine, which is neutral and non-polar, with aspartic acid, which is acidic and polar, at codon 419 of the ELN protein (p.Gly419Asp). This variant is not present in population databases (gnomAD no frequency). This variant has not been reported in the literature in individuals affected with ELN-related conditions. Experimental studies and prediction algorithms are not available or were not evaluated, and the functional significance of this variant is currently unknown. In summary, the available evidence is currently insufficient to determine the role of this variant in disease. Therefore, it has been classified as a Variant of Uncertain Significance.

NM_000501.4(ELN):c.1256G>A (p.Gly419Asp)

Gene: ELN (elastin; plus strand). Cytogenetic location: 7q11.23.
Variant type: single nucleotide variant.
Coding change: c.1256G>A on transcript NM_000501.4 (MANE Select); coding-DNA position 1256, G replaced by A.
Protein change: p.Gly419Asp; replaces glycine 419 with aspartic acid.
Molecular consequence: missense variant. On other transcripts: intron variant (2).
Genome position (GRCh38, 1-based): chr7:74,056,376, G>A. VCF-style: chr7-74056376-G-A. GRCh37 (hg19) VCF-style: chr7-73470706-G-A.
Other names: c.1226G>A, p.Gly409Asp (NM_001081752.3, NM_001278917.2); c.1271G>A, p.Gly424Asp (NM_001081753.3, NM_001081754.3); c.1256G>A, p.Gly419Asp (NM_001081755.3, NM_001278912.2, NM_001278915.2 and 1 more transcripts); c.1241G>A, p.Gly414Asp (NM_001278914.2); c.1214G>A, p.Gly405Asp (NM_001278916.2); c.1129+19G>A (NM_001278913.2); c.1105+19G>A (NM_001278918.2); short protein forms G405D, G409D, G419D, G414D, G424D.
Identifiers: ClinVar variation 3727197 (VCV003727197.2).